The following is an entry in ClinVar:

NM_000350.3(ABCA4):c.155A>G (p.His52Arg)

Gene: ABCA4 (ATP binding cassette subfamily A member 4; minus strand). Cytogenetic location: 1p22.1.
Variant type: single nucleotide variant.
Coding change: c.155A>G on transcript NM_000350.3 (MANE Select); coding-DNA position 155, A replaced by G.
Protein change: p.His52Arg; replaces histidine 52 with arginine.
Molecular consequence: missense variant.
Genome position (GRCh38, 1-based): chr1:94,112,978, T>C on the plus strand (A>G on the coding strand, the complement: ABCA4 is on the minus strand). VCF-style: chr1-94112978-T-C. GRCh37 (hg19) VCF-style: chr1-94578534-T-C.
Other names: c.155A>G, p.His52Arg (NM_001425324.1); short protein forms H52R.
Identifiers: ClinVar variation 2077199 (VCV002077199.4), dbSNP rs2524014341, ClinGen allele CA341286348.

ClinVar aggregate classification (germline): Uncertain significance (1 of 4 stars; one submission).

Allele frequency attached by ClinVar (database versions not stated): gnomAD exomes below 0.00001.
gnomAD v4.1: 1 of 1,613,102 alleles (0.000062%); highest among the groups gnomAD compares: African/African-American, 0.0013%; no homozygotes.

Submission:

Labcorp Genetics (formerly Invitae), Labcorp
Classification: Uncertain significance. Last evaluated: 2022-06-30. Review status: criteria provided, single submitter. Criteria: Invitae Variant Classification Sherloc (09022015). Collection method: clinical testing. Allele origin: germline.
Comment: This variant has not been reported in the literature in individuals affected with ABCA4-related conditions. In summary, the available evidence is currently insufficient to determine the role of this variant in disease. Therefore, it has been classified as a Variant of Uncertain Significance. Algorithms developed to predict the effect of missense changes on protein structure and function (SIFT, PolyPhen-2, Align-GVGD) all suggest that this variant is likely to be disruptive. This variant is not present in population databases (gnomAD no frequency). This sequence change replaces histidine, which is basic and polar, with arginine, which is basic and polar, at codon 52 of the ABCA4 protein (p.His52Arg).